The following is an entry in ClinVar:

NM_000130.5(F5):c.5419+11C>T

Gene: F5 (coagulation factor V; minus strand). Cytogenetic location: 1q24.2.
Variant type: single nucleotide variant.
Coding change: c.5419+11C>T on transcript NM_000130.5 (MANE Select); 11 bases into the intron after coding-DNA position 5419, C replaced by T.
Molecular consequence: intron variant.
Genome position (GRCh38, 1-based): chr1:169,529,597, G>A on the plus strand (C>T on the coding strand, the complement: F5 is on the minus strand). VCF-style: chr1-169529597-G-A. GRCh37 (hg19) VCF-style: chr1-169498835-G-A.
Other names: p.?.
Identifiers: ClinVar variation 293584 (VCV000293584.14), dbSNP rs6008, ClinGen allele CA1233508.

ClinVar aggregate classification (germline): Benign/Likely benign. Review status: criteria provided, multiple submitters, no conflicts (2 of 4 stars). 8 submissions from 6 submitters: Benign (6); Likely benign (2). Last evaluated 2025-06-11.

Conditions:
Budd-Chiari syndrome (BDCHS). Also called: Hepatic vein obstruction. Identifiers: Orphanet 131, MedGen C0856761, MONDO:0010947, OMIM 600880, HP:0002639.
Factor V deficiency. Also called: Reduced coagulation factor V activity. Identifiers: Orphanet 326, MedGen C4317320, MONDO:0020586, HP:0003225.
Thrombophilia due to thrombin defect (THPH1). Also called: Thrombosis susceptibility; THROMBOPHILIA DUE TO FACTOR 2 DEFECT; Prothrombin-Related Thrombophilia (Factor II); Prothrombin Thrombophilia. Identifiers: MedGen C3160733, MONDO:0008559, OMIM 188050. Disease mechanism: gain of function, loss of function.
Congenital factor V deficiency. Also called: LABILE FACTOR DEFICIENCY; OWREN PARAHEMOPHILIA; PARAHEMOPHILIA; Hereditary factor V deficiency disease. Identifiers: Orphanet 326, MedGen C0015499, MONDO:0009210, OMIM 227400.

Allele frequency attached by ClinVar (database versions not stated): ESP Exome Variant Server 0.04652; TOPMed 0.09031; 1000 Genomes Project 30x 0.20987; 1000 Genomes Project 0.21745.
gnomAD v4.1: 76,159 of 1,610,446 alleles (4.7%); highest among the groups gnomAD compares: East Asian, 62%; 11,808 homozygotes.

Submissions (8):

Labcorp Genetics (formerly Invitae), Labcorp
Classification: Benign for Congenital factor V deficiency. Last evaluated: 2025-06-11. Review status: criteria provided, single submitter. Criteria: Invitae Variant Classification Sherloc (09022015). Collection method: clinical testing. Allele origin: germline.

Blueprint Genetics
Classification: Likely benign. Last evaluated: 2024-11-26. Review status: criteria provided, single submitter. Criteria: ACMG Guidelines, 2015. Collection method: clinical testing. Allele origin: germline.

GeneDx
Classification: Benign. Last evaluated: 2018-11-10. Review status: criteria provided, single submitter. Criteria: GeneDx Variant Classification Process June 2021. Collection method: clinical testing. Allele origin: germline. Affected: yes.

Illumina Laboratory Services, Illumina
Classification: Benign for Budd-Chiari syndrome. Last evaluated: 2018-01-13. Review status: criteria provided, single submitter. Criteria: ICSL Variant Classification Criteria 13 December 2019. Collection method: clinical testing. Allele origin: germline.
Comment: This variant was observed in the ICSL laboratory as part of a predisposition screen in an ostensibly healthy population. It had not been previously curated by ICSL or reported in the Human Gene Mutation Database (HGMD: prior to June 1st, 2018), and was therefore a candidate for classification through an automated scoring system. Utilizing variant allele frequency, disease prevalence and penetrance estimates, and inheritance mode, an automated score was calculated to assess if this variant is too frequent to cause the disease. Based on the score and internal cut-off values, a variant classified as benign is not then subjected to further curation. The score for this variant resulted in a classification of benign for this disease.

Illumina Laboratory Services, Illumina
Classification: Benign for Congenital factor V deficiency. Last evaluated: 2018-01-13. Review status: criteria provided, single submitter. Criteria: ICSL Variant Classification Criteria 13 December 2019. Collection method: clinical testing. Allele origin: germline.
Comment: the same text as in the submission from Illumina Laboratory Services, Illumina above.

Illumina Laboratory Services, Illumina
Classification: Benign for Venous thrombosis. Last evaluated: 2018-01-13. Review status: criteria provided, single submitter. Criteria: ICSL Variant Classification Criteria 13 December 2019. Collection method: clinical testing. Allele origin: germline.
Comment: the same text as in the submission from Illumina Laboratory Services, Illumina above.

Mayo Clinic Laboratories, Mayo Clinic
Classification: Benign. Last evaluated: 2016-08-03. Review status: criteria provided, single submitter. Criteria: ACMG Guidelines, 2015. Collection method: clinical testing. Allele origin: germline. Observed: 15 variant alleles.

Breakthrough Genomics
Classification: Likely benign. Review status: criteria provided, single submitter. Criteria: ACMG Guidelines, 2015. Collection method: not provided. Allele origin: germline. Inheritance: Autosomal recessive inheritance. Affected: yes.